The following is an entry in ClinVar:

NM_001370259.2(MEN1):c.1156G>A (p.Gly386Ser)

Gene: MEN1 (menin 1; minus strand). Cytogenetic location: 11q13.1.
Variant type: single nucleotide variant.
Coding change: c.1156G>A on transcript NM_001370259.2 (MANE Select); coding-DNA position 1156, G replaced by A.
Protein change: p.Gly386Ser; replaces glycine 386 with serine.
Molecular consequence: missense variant.
Genome position (GRCh38, 1-based): chr11:64,805,664, C>T on the plus strand (G>A on the coding strand, the complement: MEN1 is on the minus strand). VCF-style: chr11-64805664-C-T. GRCh37 (hg19) VCF-style: chr11-64573136-C-T.
Other names: c.1171G>A, p.Gly391Ser (NM_000244.4, NM_130800.3, NM_130801.3 and 3 more transcripts); c.1282G>A, p.Gly428Ser (NM_001370251.2); c.1156G>A, p.Gly386Ser (NM_001370260.2, NM_001370261.2, NM_130799.3); c.1051G>A, p.Gly351Ser (NM_001370262.2, NM_001370263.2); short protein forms G351S, G386S, G391S, G428S.
Identifiers: ClinVar variation 945933 (VCV000945933.11), dbSNP rs767595183, ClinGen allele CA060019.

ClinVar aggregate classification (germline): Conflicting classifications of pathogenicity. Review status: criteria provided, conflicting classifications (1 of 4 stars). 4 submissions from 4 submitters: Uncertain significance (3); Likely benign (1). Last evaluated 2025-12-08.

Conditions:
Hereditary cancer-predisposing syndrome. Also called: Neoplastic Syndromes, Hereditary; Hereditary neoplastic syndrome; Hereditary Cancer Syndrome; Tumor predisposition. Identifiers: Orphanet 140162, MedGen C0027672, MeSH D009386, MONDO:0015356.
Multiple endocrine neoplasia, type 1 (MEN1). Also called: MEN I; WERMER SYNDROME; Endocrine adenomatosis multiple; MEN 1; MEA I. Identifiers: Orphanet 652, MedGen C0025267, MeSH D018761, MONDO:0007540, OMIM 131100.

Allele frequency attached by ClinVar (database versions not stated): ExAC 0.00001.

Submissions (4):

Labcorp Genetics (formerly Invitae), Labcorp
Classification: Likely benign for Multiple endocrine neoplasia, type 1. Last evaluated: 2025-12-08. Review status: criteria provided, single submitter. Criteria: Invitae Variant Classification Sherloc (09022015). Collection method: clinical testing. Allele origin: germline.

Ambry Genetics
Classification: Uncertain significance for Hereditary cancer-predisposing syndrome. Last evaluated: 2024-02-15. Review status: criteria provided, single submitter. Criteria: Ambry Variant Classification Scheme 2023. Collection method: clinical testing. Allele origin: germline.
Comment: The p.G386S variant (also known as c.1156G>A), located in coding exon 7 of the MEN1 gene, results from a G to A substitution at nucleotide position 1156. The glycine at codon 386 is replaced by serine, an amino acid with similar properties. This amino acid position is not well conserved in available vertebrate species. In addition, the in silico prediction for this alteration is inconclusive. Based on the available evidence, the clinical significance of this alteration remains unclear.

All of Us Research Program, National Institutes of Health
Classification: Uncertain significance for Multiple endocrine neoplasia, type 1. Last evaluated: 2023-12-13. Review status: criteria provided, single submitter. Criteria: ACMG Guidelines, 2015. Collection method: clinical testing. Allele origin: germline. Inheritance: Autosomal dominant inheritance. Observed: 1 variant allele, 1 heterozygote.
Comment: This missense variant replaces glycine with serine at codon 386 of the MEN1 protein. Computational prediction suggests that this variant may not impact protein structure and function (internally defined REVEL score threshold <= 0.5, PMID: 27666373). To our knowledge, functional studies have not been reported for this variant. This variant has not been reported in individuals affected with MEN1-related disorders in the literature. This variant has not been identified in the general population by the Genome Aggregation Database (gnomAD). The available evidence is insufficient to determine the role of this variant in disease conclusively. Therefore, this variant is classified as a Variant of Uncertain Significance.

This study involves interpretation of variants in research participants for the purpose of population health screening. Participant phenotype was not available at the time of variant classification. Additional details can be found in publication PMID: 35346344, PMCID: PMC8962531

Color Diagnostics, LLC DBA Color Health
Classification: Uncertain significance for Multiple endocrine neoplasia, type 1. Last evaluated: 2023-11-08. Review status: criteria provided, single submitter. Criteria: ACMG Guidelines, 2015. Collection method: clinical testing. Allele origin: germline.
Comment: This missense variant replaces glycine with serine at codon 386 of the MEN1 protein. Computational prediction suggests that this variant may not impact protein structure and function. To our knowledge, functional studies have not been reported for this variant. This variant has not been reported in individuals affected with MEN1-related disorders in the literature. This variant has not been identified in the general population by the Genome Aggregation Database (gnomAD). The available evidence is insufficient to determine the role of this variant in disease conclusively. Therefore, this variant is classified as a Variant of Uncertain Significance.